The following is an entry in ClinVar:

ClinVar aggregate classification (germline): Uncertain significance (1 of 4 stars; one submission).

Conditions:
Emery-Dreifuss muscular dystrophy (EDMD). Also called: Scapuloperoneal syndrome, X-linked (formerly); Humeroperoneal neuromuscular disease, (formerly). Identifiers: Orphanet 261, MedGen C0410189, MONDO:0016830.

Allele frequency attached by ClinVar (database versions not stated): ExAC below 0.00001; gnomAD exomes 0.00001; TOPMed 0.00001.
gnomAD v4.1: 8 of 1,607,450 alleles (0.0005%); highest among the groups gnomAD compares: Non-Finnish European, 0.00059%; no homozygotes.

Submission:

Labcorp Genetics (formerly Invitae), Labcorp
Classification: Uncertain significance for Emery-Dreifuss muscular dystrophy. Last evaluated: 2024-12-26. Review status: criteria provided, single submitter. Criteria: Invitae Variant Classification Sherloc (09022015). Collection method: clinical testing. Allele origin: germline.
Comment: This sequence change replaces arginine, which is basic and polar, with histidine, which is basic and polar, at codon 54 of the SUN1 protein (p.Arg54His). This variant is not present in population databases (gnomAD no frequency). This variant has not been reported in the literature in individuals affected with SUN1-related conditions. ClinVar contains an entry for this variant (Variation ID: 583170). An algorithm developed to predict the effect of missense changes on protein structure and function (PolyPhen-2) suggests that this variant is likely to be disruptive. In summary, the available evidence is currently insufficient to determine the role of this variant in disease. Therefore, it has been classified as a Variant of Uncertain Significance.

NM_001130965.3(SUN1):c.161G>A (p.Arg54His)

Gene: SUN1 (Sad1 and UNC84 domain containing 1; plus strand). Cytogenetic location: 7p22.3.
Variant type: single nucleotide variant.
Coding change: c.161G>A on transcript NM_001130965.3 (MANE Select); coding-DNA position 161, G replaced by A.
Protein change: p.Arg54His; replaces arginine 54 with histidine.
Molecular consequence: missense variant. On other transcripts: 5 prime UTR variant (2), non-coding transcript variant (3), intron variant (2).
Genome position (GRCh38, 1-based): chr7:838,881, G>A. VCF-style: chr7-838881-G-A. GRCh37 (hg19) VCF-style: chr7-878518-G-A.
Other names: c.161G>A, p.Arg54His (NM_001171944.2, NM_001171946.2, NM_001367633.1 and 34 more transcripts); c.224G>A, p.Arg75His (NM_001171945.2); c.-297G>A (NM_001367635.1); c.11G>A, p.Arg4His (NM_001367636.1, NM_001367637.1, NM_001367644.1 and 24 more transcripts); c.380G>A, p.Arg127His (NM_001367651.1); c.-601G>A (NM_001367658.1); c.78-3065G>A (NM_001367695.1); c.-301-3065G>A (NM_001367639.1); short protein forms R54H, R4H, R127H, R75H.
Identifiers: ClinVar variation 583170 (VCV000583170.6), dbSNP rs772100423, ClinGen allele CA4111398.